The following is an entry in ClinVar:

ClinVar aggregate classification (germline): Uncertain significance (1 of 4 stars; one submission).

Submission:

GeneDx
Classification: Uncertain significance. Last evaluated: 2025-07-22. Review status: criteria provided, single submitter. Criteria: GeneDx Variant Classification Process June 2021. Collection method: clinical testing. Allele origin: germline. Affected: yes.
Comment: Not observed at significant frequency in large population cohorts (gnomAD); In silico analysis does not support a benign or deleterious effect of this variant on protein structure/function; Has not been previously published as pathogenic or benign to our knowledge

NM_016204.4(GDF2):c.647G>A (p.Arg216Gln)

Gene: GDF2 (growth differentiation factor 2; plus strand). Cytogenetic location: 10q11.22.
Variant type: single nucleotide variant.
Coding change: c.647G>A on transcript NM_016204.4 (MANE Select); coding-DNA position 647, G replaced by A.
Protein change: p.Arg216Gln; replaces arginine 216 with glutamine.
Molecular consequence: missense variant.
Genome position (GRCh38, 1-based): chr10:47,325,141, G>A. VCF-style: chr10-47325141-G-A. GRCh37 (hg19) VCF-style: chr10-48414221-C-T.
Other names: short protein forms R216Q.
Identifiers: ClinVar variation 4686883 (VCV004686883.1).